The following is an entry in ClinVar:

ClinVar aggregate classification (germline): Likely benign (1 of 4 stars; one submission).

Allele frequency attached by ClinVar (database versions not stated): TOPMed 0.00002.
gnomAD v4.1: 29 of 1,581,406 alleles (0.0018%); highest among the groups gnomAD compares: African/African-American, 0.0027%; no homozygotes.

Submission:

GeneDx
Classification: Likely benign. Last evaluated: 2017-02-07. Review status: criteria provided, single submitter. Criteria: GeneDx Variant Classification (06012015). Collection method: clinical testing. Allele origin: germline. Affected: yes.
Comment: This variant is considered likely benign or benign based on one or more of the following criteria: it is a conservative change, it occurs at a poorly conserved position in the protein, it is predicted to be benign by multiple in silico algorithms, and/or has population frequency not consistent with disease.

NM_052845.3(MMAB):c.-30G>T

Genes: MMAB (metabolism of cobalamin associated B; minus strand), MVK (mevalonate kinase; plus strand). Cytogenetic location: 12q24.11.
Variant type: single nucleotide variant.
Coding change: c.-30G>T on transcript NM_052845.3; 30 bases upstream of the start codon, G replaced by T.
Genome position (GRCh38, 1-based): chr12:109,573,510, C>A on the plus strand (G>T on the coding strand, the complement: MMAB is on the minus strand). VCF-style: chr12-109573510-C-A. GRCh37 (hg19) VCF-style: chr12-110011315-C-A.
Identifiers: ClinVar variation 516274 (VCV000516274.3), dbSNP rs991767550, ClinGen allele CA607286850.